The following is an entry in ClinVar:

NM_006059.4(LAMC3):c.4712G>T (p.Cys1571Phe)

Gene: LAMC3 (laminin subunit gamma 3; plus strand). Cytogenetic location: 9q34.12.
Variant type: single nucleotide variant.
Coding change: c.4712G>T on transcript NM_006059.4 (MANE Select); coding-DNA position 4712, G replaced by T.
Protein change: p.Cys1571Phe; replaces cysteine 1571 with phenylalanine.
Molecular consequence: missense variant.
Genome position (GRCh38, 1-based): chr9:131,091,771, G>T. VCF-style: chr9-131091771-G-T. GRCh37 (hg19) VCF-style: chr9-133967158-G-T.
Other names: short protein forms C1571F.
Identifiers: ClinVar variation 1972902 (VCV001972902.5), dbSNP rs2133358411, ClinGen allele CA375267559.

ClinVar aggregate classification (germline): Uncertain significance (1 of 4 stars; one submission).

Submission:

Labcorp Genetics (formerly Invitae), Labcorp
Classification: Uncertain significance. Last evaluated: 2022-12-25. Review status: criteria provided, single submitter. Criteria: Invitae Variant Classification Sherloc (09022015). Collection method: clinical testing. Allele origin: germline.
Comment: This variant has not been reported in the literature in individuals affected with LAMC3-related conditions. Algorithms developed to predict the effect of missense changes on protein structure and function are either unavailable or do not agree on the potential impact of this missense change (SIFT: "Deleterious"; PolyPhen-2: "Probably Damaging"; Align-GVGD: "Class C0"). In summary, the available evidence is currently insufficient to determine the role of this variant in disease. Therefore, it has been classified as a Variant of Uncertain Significance. This variant is not present in population databases (gnomAD no frequency). This sequence change replaces cysteine, which is neutral and slightly polar, with phenylalanine, which is neutral and non-polar, at codon 1571 of the LAMC3 protein (p.Cys1571Phe).